The following is an entry in ClinVar:

ClinVar aggregate classification (germline): Uncertain significance (1 of 4 stars; one submission).

Submission:

Ambry Genetics
Classification: Uncertain significance. Last evaluated: 2023-12-12. Review status: criteria provided, single submitter. Criteria: Ambry Variant Classification Scheme 2023. Collection method: clinical testing. Allele origin: germline.
Comment: The p.I982V variant (also known as c.2944A>G), located in coding exon 24 of the A2ML1 gene, results from an A to G substitution at nucleotide position 2944. The isoleucine at codon 982 is replaced by valine, an amino acid with highly similar properties. This amino acid position is conserved. In addition, this alteration is predicted to be tolerated by in silico analysis. Since supporting evidence is limited at this time, the clinical significance of this alteration remains unclear.

NM_144670.6(A2ML1):c.2944A>G (p.Ile982Val)

Gene: A2ML1 (alpha-2-macroglobulin like 1; plus strand). Cytogenetic location: 12p13.31.
Variant type: single nucleotide variant.
Coding change: c.2944A>G on transcript NM_144670.6 (MANE Select); coding-DNA position 2944, A replaced by G.
Protein change: p.Ile982Val; replaces isoleucine 982 with valine.
Molecular consequence: missense variant.
Genome position (GRCh38, 1-based): chr12:8,857,259, A>G. VCF-style: chr12-8857259-A-G. GRCh37 (hg19) VCF-style: chr12-9009855-A-G.
Other names: c.1471A>G, p.Ile491Val (NM_001282424.3); short protein forms I491V, I982V.
Identifiers: ClinVar variation 3229198 (VCV003229198.1), dbSNP rs2136913139, ClinGen allele CA383836265.